The following is an entry in ClinVar:

ClinVar aggregate classification (germline): Uncertain significance (1 of 4 stars; one submission).

gnomAD v4.1: 7 of 1,614,048 alleles (0.00043%); highest among the groups gnomAD compares: Non-Finnish European, 0.00042%; no homozygotes.

Submission:

Labcorp Genetics (formerly Invitae), Labcorp
Classification: Uncertain significance. Last evaluated: 2022-10-04. Review status: criteria provided, single submitter. Criteria: Invitae Variant Classification Sherloc (09022015). Collection method: clinical testing. Allele origin: germline.
Comment: This sequence change replaces asparagine, which is neutral and polar, with lysine, which is basic and polar, at codon 4597 of the USH2A protein (p.Asn4597Lys). In summary, the available evidence is currently insufficient to determine the role of this variant in disease. Therefore, it has been classified as a Variant of Uncertain Significance. Advanced modeling of protein sequence and biophysical properties (such as structural, functional, and spatial information, amino acid conservation, physicochemical variation, residue mobility, and thermodynamic stability) performed at Invitae indicates that this missense variant is not expected to disrupt USH2A protein function. ClinVar contains an entry for this variant (Variation ID: 1477676). This variant has not been reported in the literature in individuals affected with USH2A-related conditions. This variant is not present in population databases (gnomAD no frequency).

NM_206933.4(USH2A):c.13791C>A (p.Asn4597Lys)

Gene: USH2A (usherin; minus strand). Cytogenetic location: 1q41.
Variant type: single nucleotide variant.
Coding change: c.13791C>A on transcript NM_206933.4 (MANE Select); coding-DNA position 13791, C replaced by A.
Protein change: p.Asn4597Lys; replaces asparagine 4597 with lysine.
Molecular consequence: missense variant.
Genome position (GRCh38, 1-based): chr1:215,674,120, G>T on the plus strand (C>A on the coding strand, the complement: USH2A is on the minus strand). VCF-style: chr1-215674120-G-T. GRCh37 (hg19) VCF-style: chr1-215847462-G-T.
Other names: short protein forms N4597K.
Identifiers: ClinVar variation 1477676 (VCV001477676.6), dbSNP rs1352188508, ClinGen allele CA344843267.